The following is an entry in ClinVar:

ClinVar aggregate classification (germline): Pathogenic. Review status: criteria provided, multiple submitters, no conflicts (2 of 4 stars). 8 submissions from 8 submitters: Pathogenic (7). 1 of the submissions does not count toward it. Last evaluated 2026-01-21.

Conditions:
Hereditary cancer-predisposing syndrome. Also called: Tumor predisposition; Neoplastic Syndromes, Hereditary; Hereditary neoplastic syndrome; Hereditary Cancer Syndrome. Identifiers: Orphanet 140162, MedGen C0027672, MeSH D009386, MONDO:0015356.
Familial melanoma. Also called: Hereditary melanoma; Hereditary cutaneous melanoma. Identifiers: Orphanet 618, MedGen C1512419, MONDO:0018961.
Melanoma-pancreatic cancer syndrome. Identifiers: Orphanet 404560, MedGen C1838547, MONDO:0011713, OMIM 606719. Disease mechanism: loss of function.

Submissions (8):

Labcorp Genetics (formerly Invitae), Labcorp
Classification: Pathogenic for Familial melanoma. Last evaluated: 2026-01-21. Review status: criteria provided, single submitter. Criteria: Invitae Variant Classification Sherloc (09022015). Collection method: clinical testing. Allele origin: germline.
Comment: The CDKN2A gene encodes two different proteins, p16INK4a and p14ARF, which are translated from alternative transcripts with different open reading frames. Both transcripts have been analyzed. We report either the variant with the higher classification or default to the CDKN2A (p16INK4a) variant. This report therefore includes the details for the CDKN2A (p16INK4a) variant. This sequence change deletes 14 nucleotides in exon 2 of the CDKN2A mRNA (c.240_253delACCCGTGCACGACG), causing a frameshift at codon 81. This creates a chimeric protein that encodes the first 80 amino acids of p16/INK4A and the final 33 amino acids of p14/ARF (PMID: 15173226, 12072543). While this is not anticipated to result in nonsense mediated decay, it is expected to result in a truncated protein. This variant is not present in population databases (gnomAD no frequency). This premature translational stop signal has been observed in individual(s) with melanoma and/or pancreatic cancer (PMID: 7923152, 8710906, 15146471, 15173226, 21150883). It has also been observed to segregate with disease in related individuals. This variant is also known as c.238_251del in the CDKN2A (p16INK4a) transcript, and c.283_296del (p.Thr95Leufs*61) in the CDKN2A (p14ARF) transcript. ClinVar contains an entry for this variant (Variation ID: 182412). This variant deletes two of the four ankyrin repeats in CDKN2A. The ankyrin repeats have been reported to be essential for CDKN2A protein function (PMID: 7780957, 21619050). For these reasons, this variant has been classified as Pathogenic. While the evidence indicates that this variant confers risk of developing CDKN2A (p16INK4a)-associated conditions, its association with risk for developing CDKN2A (p14ARF)-associated conditions is still unclear.

Ambry Genetics
Classification: Pathogenic for Hereditary cancer-predisposing syndrome. Last evaluated: 2023-09-28. Review status: criteria provided, single submitter. Criteria: Ambry Variant Classification Scheme 2023. Collection method: clinical testing. Allele origin: germline.
Comment: The c.240_253del14 pathogenic mutation, located in coding exon 2 of the CDKN2A gene, results from a deletion of 14 nucleotides at nucleotide positions 240 to 253, causing a translational frameshift with a predicted alternate stop codon (p.P81Cfs*34). This alteration has been described in multiple unrelated individuals with melanoma (FitzGerald MG et al. Proc Natl Acad Sci USA.1996;93(16):8541-5; Niendorf KB et al. J Med Genet. 2006;43:501-506; Goldstein AM et al. J Med Genet. 2007;44(2):99-106; Harland M et al. Hered Cancer Clin Pract 2014;12(1):20). In addition to a personal and family history of melanoma, the proband had a history of cutaneous neurofibromas, papillary thyroid cancer, and uterine tumors (Vanneste R et al. Am. J. Med. Genet. A 2013 Jun;161A(6):1425-31). In addition to the clinical data presented in the literature, this alteration is expected to result in loss of function by premature protein truncation or nonsense-mediated mRNA decay. As such, this alteration is interpreted as a disease-causing mutation.

Myriad Genetics, Inc.
Classification: Pathogenic for Melanoma-pancreatic cancer syndrome. Last evaluated: 2023-04-20. Review status: criteria provided, single submitter. Criteria: Myriad Autosomal Dominant, Autosomal Recessive and X-Linked Classification Criteria (2023). Collection method: clinical testing. Allele origin: unknown.
Comment: This variant is considered pathogenic. This variant creates a frameshift predicted to result in premature protein truncation.

Sema4
Classification: Pathogenic for Hereditary cancer-predisposing syndrome. Last evaluated: 2021-12-18. Review status: criteria provided, single submitter. Criteria: Sema4 Curation Guidelines. Collection method: curation. Allele origin: germline.
Comment: The CDKN2A c.240_253del (p.P81CfsX34) variant has been reported in heterozygosity in at least 5 individuals with pancreatic cancer or melanoma (PMID: 8710906, 21150883, 29360161, 25685612). This variant causes a frameshift at amino acid 81 that results in premature termination 34 amino acids downstream. At this location, this is predicted to cause nonsense-mediated decay and result in an absent protein (loss of function). This variant is not reported in the population database Genome Aggregation Database (PMID: 32461654). This variant has been reported in ClinVar (Variation ID: 182412). Based on the current evidence available, this variant is interpreted as pathogenic.

Women's Health and Genetics/Laboratory Corporation of America, LabCorp
Classification: Pathogenic for Hereditary melanoma. Last evaluated: 2020-12-03. Review status: criteria provided, single submitter. Criteria: LabCorp Variant Classification Summary - May 2015. Collection method: clinical testing. Allele origin: germline.
Comment: Variant summary: CDKN2A c.240_253del14 (p.Pro81CysfsX34) results in a premature termination codon, predicted to cause a truncation of the encoded protein or absence of the protein due to nonsense mediated decay, which are commonly known mechanisms for disease. Truncations downstream of this position have been found in other databases. The variant was absent in 231476 control chromosomes. c.240_253del14 has been reported in the literature in individuals affected with Cutaneous Malignant Melanoma or other cancers. (FitzGerald_1996, Dudley_2018). These data indicate that the variant may be associated with disease. Four clinical diagnostic laboratories have submitted clinical-significance assessments for this variant to ClinVar after 2014 without evidence for independent evaluation. All laboratories classified the variant as pathogenic. Based on the evidence outlined above, the variant was classified as pathogenic.

Color Diagnostics, LLC DBA Color Health
Classification: Pathogenic for Hereditary cancer-predisposing syndrome. Last evaluated: 2020-01-15. Review status: criteria provided, single submitter. Criteria: ACMG Guidelines, 2015. Collection method: clinical testing. Allele origin: germline.
Comment: This variant deletes 14 nucleotides in exon 2 of the CDKN2A gene, creating a frameshift and premature translation stop signal. This variant is expected to result in an absent or non-functional protein product. This variant has not been identified in the general population by the Genome Aggregation Database (gnomAD). Loss of CDKN2A function is a known mechanism of disease. Based on the available evidence, this variant is classified as Pathogenic.

GeneDx
Classification: Pathogenic for Neoplastic Syndromes, Hereditary. Last evaluated: 2013-07-11. Review status: criteria provided, single submitter. Criteria: GeneDx Variant Classification (06012015). Collection method: clinical testing. Allele origin: germline. Affected: yes.
Comment: The CDKN2A c.240_253del mutation has been reported previously in association with familial cutaneous malignant melanoma (Fitzgerald et al., 1996). The deletion causes a frameshift starting with codon Proline 81, changes this amino acid to a Cysteine residue, and creates a premature Stop codon at position 34 of the new reading frame, denoted p.Pro81CysfsX34. This mutation is predicted to cause loss of normal protein function either through protein truncation or nonsense-mediated mRNA decay. This variant has been observed to be inherited. The variant is found in CDKN2A panel(s).

Counsyl
Classification: Pathogenic for Melanoma-pancreatic cancer syndrome. Last evaluated: 2017-05-22. Review status: no assertion criteria provided. Collection method: clinical testing. Allele origin: unknown. Not counted in ClinVar's aggregate classification.

Literature cited by the submitters: PubMed 15173226 (cited by Labcorp Genetics (formerly Invitae), Labcorp and Ambry Genetics); PubMed 12072543 (cited by Labcorp Genetics (formerly Invitae), Labcorp and Counsyl); PubMed 7923152 (cited by Labcorp Genetics (formerly Invitae), Labcorp); PubMed 8710906 (cited by 5 submitters); PubMed 15146471 (cited by Labcorp Genetics (formerly Invitae), Labcorp); PubMed 21150883 (cited by Labcorp Genetics (formerly Invitae), Labcorp and Sema4); PubMed 7780957 (cited by Labcorp Genetics (formerly Invitae), Labcorp); PubMed 21619050 (cited by Labcorp Genetics (formerly Invitae), Labcorp); PubMed 16169933 (cited by Ambry Genetics); PubMed 16905682 (cited by Ambry Genetics); PubMed 23613284 (cited by Ambry Genetics); PubMed 25780468 (cited by Ambry Genetics); PubMed 29360161 (cited by Sema4 and Women's Health and Genetics/Laboratory Corporation of America, LabCorp); PubMed 25685612 (cited by Sema4).

NM_000077.5(CDKN2A):c.240_253del (p.Pro81fs)

Gene: CDKN2A (cyclin dependent kinase inhibitor 2A; minus strand). Cytogenetic location: 9p21.3.
Variant type: Deletion.
Coding change: c.240_253del on transcript NM_000077.5; coding-DNA positions 240 to 253, 14 bases deleted (ACCCGTGCACGACG).
Protein change: p.Pro81fs; shifts the reading frame from proline 81.
Molecular consequence: frameshift variant (on NM_000077.4). On other transcripts: 3 prime UTR variant (1).
Genome position (GRCh38, 1-based): chr9:21,971,106-21,971,119, CGTCGTGCACGGGT deleted on the plus strand (ACCCGTGCACGACG on the coding strand, the reverse complement: CDKN2A is on the minus strand); deleting any 14 consecutive bases within chr9:21,971,106-21,971,121 gives the same sequence; the c. name uses the placement nearest the transcript's 3' end. VCF-style (leftmost placement, unchanged base first): chr9-21971105-GCGTCGTGCACGGGT-G. GRCh37 (hg19) VCF-style: chr9-21971104-GCGTCGTGCACGGGT-G.
Other names: c.240_253delACCCGTGCACGACG (NM_000077.4); c.238_251delCGACCCGTGCACGA, p.Pro81Cysfs (NM_000077.6); c.240_253del, p.Pro81fs (NM_001195132.2); c.87_100del, p.Pro30fs (NM_001363763.2); c.283_296del, p.Thr95fs (NM_058195.4); c.*163_*176del (NM_058197.5); short protein forms P30fs, P81fs, T95fs.
Identifiers: ClinVar variation 182412 (VCV000182412.22), dbSNP rs730881675, ClinGen allele CA299024.